The following is an entry in ClinVar:

ClinVar aggregate classification (germline): Uncertain significance. Review status: criteria provided, multiple submitters, no conflicts (2 of 4 stars). 2 submissions from 2 submitters: Uncertain significance (2). Last evaluated 2024-10-20.

Conditions:
Inborn genetic diseases. Identifiers: MedGen C0950123, MeSH D030342.

Allele frequency attached by ClinVar (database versions not stated): TOPMed below 0.00001; gnomAD 0.00001; gnomAD exomes 0.00001.
gnomAD v4.1: 16 of 1,613,398 alleles (0.00099%); highest among the groups gnomAD compares: African/African-American, 0.004%; no homozygotes.

Submissions (2):

Ambry Genetics
Classification: Uncertain significance for Inborn genetic diseases. Last evaluated: 2024-10-20. Review status: criteria provided, single submitter. Criteria: Ambry Variant Classification Scheme 2023. Collection method: clinical testing. Allele origin: germline.

Labcorp Genetics (formerly Invitae), Labcorp
Classification: Uncertain significance. Last evaluated: 2024-04-19. Review status: criteria provided, single submitter. Criteria: Invitae Variant Classification Sherloc (09022015). Collection method: clinical testing. Allele origin: germline.
Comment: This sequence change replaces glutamic acid, which is acidic and polar, with lysine, which is basic and polar, at codon 909 of the NEFH protein (p.Glu909Lys). This variant is not present in population databases (gnomAD no frequency). This variant has not been reported in the literature in individuals affected with NEFH-related conditions. ClinVar contains an entry for this variant (Variation ID: 1512150). Advanced modeling of protein sequence and biophysical properties (such as structural, functional, and spatial information, amino acid conservation, physicochemical variation, residue mobility, and thermodynamic stability) performed at Invitae indicates that this missense variant is not expected to disrupt NEFH protein function with a negative predictive value of 95%. In summary, the available evidence is currently insufficient to determine the role of this variant in disease. Therefore, it has been classified as a Variant of Uncertain Significance.

NM_021076.4(NEFH):c.2725G>A (p.Glu909Lys)

Gene: NEFH (neurofilament heavy chain; plus strand). Cytogenetic location: 22q12.2.
Variant type: single nucleotide variant.
Coding change: c.2725G>A on transcript NM_021076.4 (MANE Select); coding-DNA position 2725, G replaced by A.
Protein change: p.Glu909Lys; replaces glutamic acid 909 with lysine.
Molecular consequence: missense variant.
Genome position (GRCh38, 1-based): chr22:29,490,365, G>A. VCF-style: chr22-29490365-G-A. GRCh37 (hg19) VCF-style: chr22-29886354-G-A.
Other names: c.2725G>A (NM_021076.3); short protein forms E909K.
Identifiers: ClinVar variation 1512150 (VCV001512150.9), dbSNP rs2063073816, ClinGen allele CA411138474.